The following is an entry in ClinVar:

ClinVar aggregate classification (germline): Uncertain significance (1 of 4 stars; one submission).

Submission:

GeneDx
Classification: Uncertain significance. Last evaluated: 2019-05-03. Review status: criteria provided, single submitter. Criteria: GeneDx Variant Classification Process June 2021. Collection method: clinical testing. Allele origin: germline. Affected: yes.
Comment: Not observed in large population cohorts (Lek et al., 2016); In silico analysis, which includes protein predictors and evolutionary conservation, supports a deleterious effect; Has not been previously published as pathogenic or benign to our knowledge

NM_194454.3(KRIT1):c.92A>T (p.Lys31Met)

Gene: KRIT1 (KRIT1 ankyrin repeat containing; minus strand). Cytogenetic location: 7q21.2.
Variant type: single nucleotide variant.
Coding change: c.92A>T on transcript NM_194454.3 (MANE Select); coding-DNA position 92, A replaced by T.
Protein change: p.Lys31Met; replaces lysine 31 with methionine.
Molecular consequence: missense variant. On other transcripts: 5 prime UTR variant (1).
Genome position (GRCh38, 1-based): chr7:92,242,044, T>A on the plus strand (A>T on the coding strand, the complement: KRIT1 is on the minus strand). VCF-style: chr7-92242044-T-A. GRCh37 (hg19) VCF-style: chr7-91871358-T-A.
Other names: c.92A>T, p.Lys31Met (NM_001350684.1, NM_001350685.1, NM_001350686.1 and 29 more transcripts); c.-492A>T (NM_001350671.1); short protein forms K31M.
Identifiers: ClinVar variation 1305532 (VCV001305532.2), dbSNP rs1367968203, ClinGen allele CA368167047.